The following is an entry in ClinVar:

NM_031935.3(HMCN1):c.9206T>C (p.Val3069Ala)

Gene: HMCN1 (hemicentin 1; plus strand). Cytogenetic location: 1q31.1.
Variant type: single nucleotide variant.
Coding change: c.9206T>C on transcript NM_031935.3 (MANE Select); coding-DNA position 9206, T replaced by C.
Protein change: p.Val3069Ala; replaces valine 3069 with alanine.
Molecular consequence: missense variant.
Genome position (GRCh38, 1-based): chr1:186,087,488, T>C. VCF-style: chr1-186087488-T-C. GRCh37 (hg19) VCF-style: chr1-186056620-T-C.
Other names: c.9206T>C (NM_031935.2); short protein forms V3069A.
Identifiers: ClinVar variation 3715636 (VCV003715636.3).

ClinVar aggregate classification (germline): Uncertain significance. Review status: criteria provided, multiple submitters, no conflicts (2 of 4 stars). 2 submissions from 2 submitters: Uncertain significance (2). Last evaluated 2025-08-13.

gnomAD v4.1: 13 of 1,613,170 alleles (0.00081%); highest among the groups gnomAD compares: African/African-American, 0.016%; no homozygotes.

Submissions (2):

Ambry Genetics
Classification: Uncertain significance. Last evaluated: 2025-08-13. Review status: criteria provided, single submitter. Criteria: Ambry Variant Classification Scheme 2023. Collection method: clinical testing. Allele origin: germline.

Labcorp Genetics (formerly Invitae), Labcorp
Classification: Uncertain significance. Last evaluated: 2024-04-25. Review status: criteria provided, single submitter. Criteria: Invitae Variant Classification Sherloc (09022015). Collection method: clinical testing. Allele origin: germline.
Comment: This sequence change replaces valine, which is neutral and non-polar, with alanine, which is neutral and non-polar, at codon 3069 of the HMCN1 protein (p.Val3069Ala). This variant is present in population databases (no rsID available, gnomAD 0.01%). This variant has not been reported in the literature in individuals affected with HMCN1-related conditions. An algorithm developed to predict the effect of missense changes on protein structure and function (PolyPhen-2) suggests that this variant is likely to be disruptive. In summary, the available evidence is currently insufficient to determine the role of this variant in disease. Therefore, it has been classified as a Variant of Uncertain Significance.